The following is an entry in ClinVar:

ClinVar aggregate classification (germline): Uncertain significance (1 of 4 stars; one submission).

Conditions:
Ellis-van Creveld syndrome (EVC). Also called: EVC-Related Ellis-van Creveld Syndrome; EVC2-Related Ellis-van Creveld Syndrome; MESOECTODERMAL DYSPLASIA; Chondroectodermal dysplasia. Identifiers: Orphanet 289, MedGen C0013903, MONDO:0009162, OMIM 225500.
Curry-Hall syndrome (WAD). Also called: WEYERS ACRODENTAL DYSOSTOSIS. Identifiers: Orphanet 952, MedGen C0457013, MONDO:0008673, OMIM 193530.

Allele frequency attached by ClinVar (database versions not stated): gnomAD exomes 0.00001; TOPMed 0.00001.

Submission:

Labcorp Genetics (formerly Invitae), Labcorp
Classification: Uncertain significance for Curry-Hall syndrome; Ellis-van Creveld syndrome. Last evaluated: 2025-02-10. Review status: criteria provided, single submitter. Criteria: Invitae Variant Classification Sherloc (09022015). Collection method: clinical testing. Allele origin: germline.
Comment: This sequence change replaces tryptophan, which is neutral and slightly polar, with arginine, which is basic and polar, at codon 186 of the EVC2 protein (p.Trp186Arg). This variant is not present in population databases (gnomAD no frequency). This variant has not been reported in the literature in individuals affected with EVC2-related conditions. ClinVar contains an entry for this variant (Variation ID: 1448990). An algorithm developed to predict the effect of missense changes on protein structure and function outputs the following: PolyPhen-2: "Benign". The arginine amino acid residue is found in multiple mammalian species, which suggests that this missense change does not adversely affect protein function. In summary, the available evidence is currently insufficient to determine the role of this variant in disease. Therefore, it has been classified as a Variant of Uncertain Significance.

NM_147127.5(EVC2):c.556T>C (p.Trp186Arg)

Gene: EVC2 (EvC ciliary complex subunit 2; minus strand). Cytogenetic location: 4p16.2.
Variant type: single nucleotide variant.
Coding change: c.556T>C on transcript NM_147127.5 (MANE Select); coding-DNA position 556, T replaced by C.
Protein change: p.Trp186Arg; replaces tryptophan 186 with arginine.
Molecular consequence: missense variant.
Genome position (GRCh38, 1-based): chr4:5,689,307, A>G on the plus strand (T>C on the coding strand, the complement: EVC2 is on the minus strand). VCF-style: chr4-5689307-A-G. GRCh37 (hg19) VCF-style: chr4-5691034-A-G.
Other names: c.316T>C, p.Trp106Arg (NM_001166136.2); short protein forms W186R, W106R.
Identifiers: ClinVar variation 1448990 (VCV001448990.9), dbSNP rs1342830628, ClinGen allele CA356148637.